The following is an entry in ClinVar:

NM_000531.6(OTC):c.594C>A (p.Asn198Lys)

Gene: OTC (ornithine transcarbamylase; plus strand). Cytogenetic location: Xp11.4.
Variant type: single nucleotide variant.
Coding change: c.594C>A on transcript NM_000531.6 (MANE Select); coding-DNA position 594, C replaced by A.
Protein change: p.Asn198Lys; replaces asparagine 198 with lysine.
Molecular consequence: missense variant.
Genome position (GRCh38, 1-based): chrX:38,403,671, C>A. VCF-style: chrX-38403671-C-A. GRCh37 (hg19) VCF-style: chrX-38262924-C-A.
Other names: short protein forms N198K.
Identifiers: ClinVar variation 97263 (VCV000097263.3), dbSNP rs72558404, ClinGen allele CA224699.

ClinVar aggregate classification (germline): Pathogenic. Review status: criteria provided, single submitter (1 of 4 stars). 2 submissions from 2 submitters: Pathogenic (1). 1 of the submissions does not count toward it. Last evaluated 2025-05-07.

Conditions:
Ornithine carbamoyltransferase deficiency (OTCD). Also called: ORNITHINE TRANSCARBAMYLASE DEFICIENCY, HYPERAMMONEMIA DUE TO; ORNITHINE TRANSCARBAMYLASE DEFICIENCY; OTC DEFICIENCY; Ornithine Carbamoyltransferase Deficiency Disease. Identifiers: Orphanet 664, MedGen C0268542, MONDO:0010703, OMIM 311250.

Submissions (2):

Labcorp Genetics (formerly Invitae), Labcorp
Classification: Pathogenic for Ornithine carbamoyltransferase deficiency. Last evaluated: 2025-05-07. Review status: criteria provided, single submitter. Criteria: Invitae Variant Classification Sherloc (09022015). Collection method: clinical testing. Allele origin: germline.
Comment: This sequence change replaces asparagine, which is neutral and polar, with lysine, which is basic and polar, at codon 198 of the OTC protein (p.Asn198Lys). This variant is not present in population databases (gnomAD no frequency). This missense change has been observed in individual(s) with ornithine transcarbamylase deficiency (PMID: 10070627; internal data). ClinVar contains an entry for this variant (Variation ID: 97263). Invitae Evidence Modeling of protein sequence and biophysical properties (such as structural, functional, and spatial information, amino acid conservation, physicochemical variation, residue mobility, and thermodynamic stability) indicates that this missense variant is expected to disrupt OTC protein function with a positive predictive value of 95%. Experimental studies are conflicting or provide insufficient evidence to determine the effect of this variant on OTC function (PMID: 37146589). This variant disrupts the p.Asn198 amino acid residue in OTC. Other variant(s) that disrupt this residue have been determined to be pathogenic (internal data). This suggests that this residue is clinically significant, and that variants that disrupt this residue are likely to be disease-causing. For these reasons, this variant has been classified as Pathogenic.

GenMed Metabolism Lab
Classification: Pathogenic. Review status: no assertion criteria provided. Collection method: not provided. Allele origin: unknown. Not counted in ClinVar's aggregate classification.
ClinVar note: Converted during submission from pathogenic to Pathogenic.

Literature cited by the submitters: PubMed 10070627 (cited by Labcorp Genetics (formerly Invitae), Labcorp); PubMed 37146589 (cited by Labcorp Genetics (formerly Invitae), Labcorp).